The following is an entry in ClinVar:

NM_001145809.2(MYH14):c.2933T>C (p.Leu978Pro)

Gene: MYH14 (myosin heavy chain 14; plus strand). Cytogenetic location: 19q13.33.
Variant type: single nucleotide variant.
Coding change: c.2933T>C on transcript NM_001145809.2 (MANE Select); coding-DNA position 2933, T replaced by C.
Protein change: p.Leu978Pro; replaces leucine 978 with proline.
Molecular consequence: missense variant.
Genome position (GRCh38, 1-based): chr19:50,268,267, T>C. VCF-style: chr19-50268267-T-C. GRCh37 (hg19) VCF-style: chr19-50771524-T-C.
Other names: c.2834T>C, p.Leu945Pro (NM_001077186.2); c.2810T>C, p.Leu937Pro (NM_024729.4); short protein forms L937P, L945P, L978P.
Identifiers: ClinVar variation 1805739 (VCV001805739.1), dbSNP rs2514404686, ClinGen allele CA406948808.
Genomic context (GRCh38, chr19:50,268,267, plus strand): 5'-CAGAACTGTGTGCAGAGGCCGAGGAGACGCGGGGGAGGCTGGCAGCCCGCAAGCAGGAGC[T>C]GGAGCTGGTGGTGTCAGAGCTGGAGGCTCGCGTGGGCGAGGAGGAGGAGTGCAGCCGTCA-3'
Protein context (NP_001139281.1, residues 968-988): RGRLAARKQE[Leu978Pro]ELVVSELEAR

ClinVar aggregate classification (germline): Uncertain significance (1 of 4 stars; one submission).

Conditions:
Autosomal dominant nonsyndromic hearing loss 4A. Also called: Deafness, autosomal dominant 4A. Identifiers: Orphanet 90635, MedGen C1833503, MONDO:0010915, OMIM 600652.

Submission:

Victorian Clinical Genetics Services, Murdoch Childrens Research Institute
Classification: Uncertain significance for Autosomal dominant nonsyndromic hearing loss 4A. Last evaluated: 2020-05-21. Review status: criteria provided, single submitter. Criteria: ACMG Guidelines, 2015. Collection method: clinical testing. Allele origin: germline. Inheritance: Autosomal dominant inheritance. Affected: yes.
Comment: Based on the classification scheme VCGS_Germline_v1.1.1, this variant is classified as VUS – 3B. Following criteria are met: 0102 - Loss-of-function is a known mechanism of disease for this gene, caused by both missense and NMD predicted variants (PMID:31231018, PMID:28221712). (N) 0104 - Dominant Negative is a mechanism of disease for this gene, causing peripheral neuropathy. This has only been reported for a single, recurring mutation (p.Arg941Leu) (PMID:31231018). (N) 0107 - This gene is known to be associated with autosomal dominant disease. (N) 0200 - Variant is predicted to result in a missense amino acid change from leucine to proline (exon 24). (N) 0251 - Variant is heterozygous. (N) 0301 - Variant is absent from gnomAD. (P) 0501 - Missense variant consistently predicted to be damaging by multiple in silico. (P) 0600 - Variant is located in an annotated domain or motif, the myosin tail domain (PDB, NCBI). (N) 0705 - No comparable variants have previous evidence for pathogenicity. (N) 0807 - Variant has not previously been reported in a clinical context. (N) 0905 - No segregation evidence has been identified for this variant. (N) 1007 - No published functional evidence has been identified for this variant. (N) 1208 – Inheritance information for this variant is not currently available. (N) Legend: (P) - Pathogenic, (N) - Neutral, (B) - Benign

Literature cited by the submitters: PubMed 28221712; PubMed 31231018.